The following is an entry in ClinVar:

NM_001034853.2(RPGR):c.1606dup (p.Thr536fs)

Gene: RPGR (retinitis pigmentosa GTPase regulator; minus strand). Cytogenetic location: Xp11.4.
Variant type: Duplication.
Coding change: c.1606dup on transcript NM_001034853.2 (MANE Select); coding-DNA position 1606, one base duplicated (A; older notation c.1606dupA).
Protein change: p.Thr536fs; shifts the reading frame from threonine 536.
Molecular consequence: frameshift variant. On other transcripts: non-coding transcript variant (1), intron variant (5).
Genome position (GRCh38, 1-based): chrX:38,288,008, T duplicated on the plus strand (A on the coding strand, the reverse complement: RPGR is on the minus strand). VCF-style (leftmost placement, unchanged base first): chrX-38288007-G-GT. GRCh37 (hg19) VCF-style: chrX-38147260-G-GT.
Other names: c.1606dup, p.Thr536fs (NM_000328.3); c.1603dup, p.Thr535fs (NM_001367245.1); c.1420dup, p.Thr474fs (NM_001367246.1); c.1569+2951dup (NM_001367249.1, NM_001367250.1); c.1386+2951dup (NM_001367251.1); c.1572+2951dup (NM_001367247.1); c.1602+2951dup (NM_001367248.1); short protein forms T535fs, T474fs, T536fs.
Identifiers: ClinVar variation 2757071 (VCV002757071.3), dbSNP rs2519798838, ClinGen allele CA2697553053.

ClinVar aggregate classification (germline): Pathogenic (1 of 4 stars; one submission).

Conditions:
Primary ciliary dyskinesia. Also called: Ciliary dyskinesia. Identifiers: Orphanet 244, MedGen C0008780, MONDO:0016575, HP:0012265.

Submission:

Labcorp Genetics (formerly Invitae), Labcorp
Classification: Pathogenic for Primary ciliary dyskinesia. Last evaluated: 2023-08-31. Review status: criteria provided, single submitter. Criteria: Invitae Variant Classification Sherloc (09022015). Collection method: clinical testing. Allele origin: germline.
Comment: This sequence change creates a premature translational stop signal (p.Thr536Asnfs*5) in the RPGR gene. It is expected to result in an absent or disrupted protein product. Loss-of-function variants in RPGR are known to be pathogenic (PMID: 16055928, 16969763). Algorithms developed to predict the effect of sequence changes on RNA splicing suggest that this variant may disrupt the consensus splice site. This variant has not been reported in the literature in individuals affected with RPGR-related conditions. For these reasons, this variant has been classified as Pathogenic. This variant is not present in population databases (gnomAD no frequency).

Literature cited by the submitters: PubMed 16055928; PubMed 16969763.